The following is an entry in ClinVar:

NM_002691.4(POLD1):c.1582G>A (p.Val528Met)

Gene: POLD1 (DNA polymerase delta 1, catalytic subunit; plus strand). Cytogenetic location: 19q13.33.
Variant type: single nucleotide variant.
Coding change: c.1582G>A on transcript NM_002691.4 (MANE Select); coding-DNA position 1582, G replaced by A.
Protein change: p.Val528Met; replaces valine 528 with methionine.
Molecular consequence: missense variant. On other transcripts: non-coding transcript variant (1).
Genome position (GRCh38, 1-based): chr19:50,407,070, G>A. VCF-style: chr19-50407070-G-A. GRCh37 (hg19) VCF-style: chr19-50910327-G-A.
Other names: c.1582G>A (NM_002691.2); c.1582G>A, p.Val528Met (NM_001256849.1, NM_001308632.1); short protein forms V528M.
Identifiers: ClinVar variation 1190288 (VCV001190288.10), dbSNP rs2122338174, ClinGen allele CA406980908.

ClinVar aggregate classification (germline): Conflicting classifications of pathogenicity. Review status: criteria provided, conflicting classifications (1 of 4 stars). 4 submissions from 4 submitters: Uncertain significance (3); Likely benign (1). Last evaluated 2026-02-13.

Conditions:
POLD1-related polyposis and colorectal cancer syndrome (CRCS10). Also called: Colorectal cancer 10; COLORECTAL CANCER, SUSCEPTIBILITY TO, ON CHROMOSOME 19q; Colorectal cancer, susceptibility to, 10. Identifiers: Orphanet 220460, MedGen C2675481, MONDO:0012953, OMIM 612591.
Hereditary cancer-predisposing syndrome. Also called: Neoplastic Syndromes, Hereditary; Tumor predisposition; Hereditary Cancer Syndrome; Hereditary neoplastic syndrome. Identifiers: Orphanet 140162, MedGen C0027672, MeSH D009386, MONDO:0015356.
POLD1-related disorder. Also called: POLD1-related disorders; POLD1-related condition.

Submissions (4):

Ambry Genetics
Classification: Likely benign for Hereditary cancer-predisposing syndrome. Last evaluated: 2026-02-13. Review status: criteria provided, single submitter. Criteria: Ambry Variant Classification Scheme 2023. Collection method: clinical testing. Allele origin: germline.

Labcorp Genetics (formerly Invitae), Labcorp
Classification: Uncertain significance for POLD1-related polyposis and colorectal cancer syndrome. Last evaluated: 2024-05-07. Review status: criteria provided, single submitter. Criteria: Invitae Variant Classification Sherloc (09022015). Collection method: clinical testing. Allele origin: germline.
Comment: This sequence change replaces valine, which is neutral and non-polar, with methionine, which is neutral and non-polar, at codon 528 of the POLD1 protein (p.Val528Met). This variant is not present in population databases (gnomAD no frequency). This variant has not been reported in the literature in individuals affected with POLD1-related conditions. ClinVar contains an entry for this variant (Variation ID: 1190288). Advanced modeling of protein sequence and biophysical properties (such as structural, functional, and spatial information, amino acid conservation, physicochemical variation, residue mobility, and thermodynamic stability) performed at Invitae indicates that this missense variant is not expected to disrupt POLD1 protein function with a negative predictive value of 80%. In summary, the available evidence is currently insufficient to determine the role of this variant in disease. Therefore, it has been classified as a Variant of Uncertain Significance.

PreventionGenetics, part of Exact Sciences
Classification: Uncertain significance for POLD1-related condition. Last evaluated: 2023-01-23. Review status: criteria provided, single submitter. Criteria: ACMG Guidelines, 2015. Collection method: clinical testing. Allele origin: germline.
Comment: The POLD1 c.1582G>A variant is predicted to result in the amino acid substitution p.Val528Met. To our knowledge, this variant has not been reported in the literature or in a large population database, indicating this variant is rare. At this time, the clinical significance of this variant is uncertain due to the absence of conclusive functional and genetic evidence.

GeneDx
Classification: Uncertain significance. Last evaluated: 2019-10-08. Review status: criteria provided, single submitter. Criteria: GeneDx Variant Classification Process June 2021. Collection method: clinical testing. Allele origin: germline. Affected: yes.
Comment: Not observed in large population cohorts (Lek et al., 2016); In silico analysis, which includes protein predictors and evolutionary conservation, supports that this variant does not alter protein structure/function; Has not been previously published as pathogenic or benign to our knowledge